The following is an entry in ClinVar:

ClinVar aggregate classification (germline): Uncertain significance. Review status: criteria provided, multiple submitters, no conflicts (2 of 4 stars). 4 submissions from 4 submitters: Uncertain significance (4). Last evaluated 2026-06-23.

Conditions:
Hereditary cancer-predisposing syndrome. Also called: Neoplastic Syndromes, Hereditary; Hereditary Cancer Syndrome; Tumor predisposition; Hereditary neoplastic syndrome. Identifiers: Orphanet 140162, MedGen C0027672, MeSH D009386, MONDO:0015356.
Hereditary pheochromocytoma and paraganglioma. Also called: Hereditary Paraganglioma-Pheochromocytoma Syndromes; Hereditary paragangliomas and pheochromocytomas; Hereditary pheochromocytoma-paraganglioma. Identifiers: Orphanet 29072, MedGen C4274332, MONDO:0017366.

Submissions (4):

Ambry Genetics
Classification: Uncertain significance for Hereditary cancer-predisposing syndrome. Last evaluated: 2026-06-23. Review status: criteria provided, single submitter. Criteria: Ambry Variant Classification Scheme 2023. Collection method: clinical testing. Allele origin: germline.
Comment: The p.E92K variant (also known as c.274G>A), located in coding exon 3 of the SDHAF2 gene, results from a G to A substitution at nucleotide position 274. The glutamic acid at codon 92 is replaced by lysine, an amino acid with similar properties. This amino acid position is not well conserved in available vertebrate species. In addition, this alteration is predicted to be tolerated by in silico analysis. Since supporting evidence is limited at this time, the clinical significance of this alteration remains unclear.

Labcorp Genetics (formerly Invitae), Labcorp
Classification: Uncertain significance for Hereditary pheochromocytoma and paraganglioma. Last evaluated: 2025-12-17. Review status: criteria provided, single submitter. Criteria: Invitae Variant Classification Sherloc (09022015). Collection method: clinical testing. Allele origin: germline.
Comment: This sequence change replaces glutamic acid, which is acidic and polar, with lysine, which is basic and polar, at codon 92 of the SDHAF2 protein (p.Glu92Lys). This variant is not present in population databases (gnomAD no frequency). This variant has not been reported in the literature in individuals affected with SDHAF2-related conditions. ClinVar contains an entry for this variant (Variation ID: 970122). An algorithm developed to predict the effect of missense changes on protein structure and function (PolyPhen-2) suggests that this variant is likely to be tolerated. In summary, the available evidence is currently insufficient to determine the role of this variant in disease. Therefore, it has been classified as a Variant of Uncertain Significance.

Color Diagnostics, LLC DBA Color Health
Classification: Uncertain significance for Hereditary pheochromocytoma and paraganglioma. Last evaluated: 2025-07-08. Review status: criteria provided, single submitter. Criteria: ACMG Guidelines, 2015. Collection method: clinical testing. Allele origin: germline.
Comment: This missense variant replaces glutamic acid with lysine at codon 92 of the SDHAF2 protein. Computational prediction suggests that this variant may not impact protein structure and function. To our knowledge, functional studies have not been reported for this variant. This variant has not been reported in individuals affected with SDHAF2-related disorders in the literature. This variant has not been identified in the general population by the Genome Aggregation Database (gnomAD). The available evidence is insufficient to determine the role of this variant in disease conclusively. Therefore, this variant is classified as a Variant of Uncertain Significance.

All of Us Research Program, National Institutes of Health
Classification: Uncertain significance for Hereditary pheochromocytoma and paraganglioma. Last evaluated: 2023-08-15. Review status: criteria provided, single submitter. Criteria: ACMG Guidelines, 2015. Collection method: clinical testing. Allele origin: germline. Inheritance: Autosomal dominant inheritance. Observed: 3 variant alleles, 3 heterozygotes.
Comment: This missense variant replaces glutamic acid with lysine at codon 92 of the SDHAF2 protein. Computational prediction suggests that this variant may not impact protein structure and function (internally defined REVEL score threshold <= 0.5, PMID: 27666373). To our knowledge, functional studies have not been reported for this variant. This variant has not been reported in individuals affected with SDHAF2-related disorders in the literature. This variant has not been identified in the general population by the Genome Aggregation Database (gnomAD). The available evidence is insufficient to determine the role of this variant in disease conclusively. Therefore, this variant is classified as a Variant of Uncertain Significance.

This study involves interpretation of variants in research participants for the purpose of population health screening. Participant phenotype was not available at the time of variant classification. Additional details can be found in publication PMID: 35346344, PMCID: PMC8962531

NM_017841.4(SDHAF2):c.274G>A (p.Glu92Lys)

Gene: SDHAF2 (succinate dehydrogenase complex assembly factor 2; plus strand). Cytogenetic location: 11q12.2.
Variant type: single nucleotide variant.
Coding change: c.274G>A on transcript NM_017841.4 (MANE Select); coding-DNA position 274, G replaced by A.
Protein change: p.Glu92Lys; replaces glutamic acid 92 with lysine.
Molecular consequence: missense variant.
Genome position (GRCh38, 1-based): chr11:61,438,017, G>A. VCF-style: chr11-61438017-G-A. GRCh37 (hg19) VCF-style: chr11-61205489-G-A.
Other names: short protein forms E92K.
Identifiers: ClinVar variation 970122 (VCV000970122.14), dbSNP rs1862015494, ClinGen allele CA380684036.